The following is an entry in ClinVar:

NM_000138.5(FBN1):c.3839-5_3842del

Gene: FBN1 (fibrillin 1; minus strand). Cytogenetic location: 15q21.1.
Variant type: Deletion.
Coding change: c.3839-5_3842del on transcript NM_000138.5 (MANE Select); 5 bases into the intron before coding-DNA position 3839 through coding-DNA position 3842, 9 bases deleted (TACAGATGT; older notation c.3839-5_3842delTACAGATGT).
Molecular consequence: splice acceptor variant.
Genome position (GRCh38, 1-based): chr15:48,481,777-48,481,785, ACATCTGTA deleted on the plus strand (TACAGATGT on the coding strand, the reverse complement: FBN1 is on the minus strand); deleting any 9 consecutive bases within chr15:48,481,777-48,481,786 gives the same sequence; the c. name uses the placement nearest the transcript's 3' end. VCF-style (leftmost placement, unchanged base first): chr15-48481776-GACATCTGTA-G. GRCh37 (hg19) VCF-style: chr15-48773973-GACATCTGTA-G.
Other names: c.3839-5_3842delTACAGATGT (NM_000138.4).
Identifiers: ClinVar variation 452301 (VCV000452301.2), dbSNP rs1555398178, ClinGen allele CA658656489.

ClinVar aggregate classification (germline): Likely pathogenic (1 of 4 stars; one submission).

Submission:

GeneDx
Classification: Likely pathogenic. Last evaluated: 2017-09-28. Review status: criteria provided, single submitter. Criteria: GeneDx Variant Classification (06012015). Collection method: clinical testing. Allele origin: germline. Affected: yes.
Comment: Although the c.3839-5_3842delTACAGATGT variant has not been published as pathogenic or been reported as benign to our knowledge, this variant spans the intron 31/exon 32 boundary and deletes the splice acceptor site in intron 31. This variant is predicted to lead to either an abnormal message that is subject to nonsense-mediated mRNA decay, or to an abnormal protein product if the message is used for protein translation. Other splice site variants in the FBN1 gene have been reported in HGMD in association with Marfan syndrome, including a different variant in the intron 31 splice acceptor site (c.3839-1G>T) that was shown to result in an in-frame exon skip in an individual with severe Marfan syndrome (Stenson et al., 2014; Liu et al., 1996). Lastly, this variant is not observed in large population cohorts (Lek et al., 2016).